The following is an entry in ClinVar:

ClinVar aggregate classification (germline): Pathogenic (1 of 4 stars; one submission).

Conditions:
Tuberous sclerosis 2 (TSC2). Identifiers: Orphanet 805, MedGen C1860707, MONDO:0013199, OMIM 613254.

Submission:

Labcorp Genetics (formerly Invitae), Labcorp
Classification: Pathogenic for Tuberous sclerosis 2. Last evaluated: 2024-06-18. Review status: criteria provided, single submitter. Criteria: Invitae Variant Classification Sherloc (09022015). Collection method: clinical testing. Allele origin: germline.
Comment: This sequence change falls in intron 40 of the TSC2 gene. It does not directly change the encoded amino acid sequence of the TSC2 protein. It affects a nucleotide within the consensus splice site. This variant is not present in population databases (gnomAD no frequency). This variant has been observed in individual(s) with tuberous sclerosis complex (PMID: 29314583, 35870981). In at least one individual the variant was observed to be de novo. Variants that disrupt the consensus splice site are a relatively common cause of aberrant splicing (PMID: 17576681, 9536098). Algorithms developed to predict the effect of sequence changes on RNA splicing suggest that this variant may disrupt the consensus splice site. For these reasons, this variant has been classified as Pathogenic.

Literature cited by the submitters: PubMed 29314583; PubMed 35870981; PubMed 17576681; PubMed 9536098.

NM_000548.5(TSC2):c.5160+4A>T

Gene: TSC2 (TSC complex subunit 2; plus strand). Cytogenetic location: 16p13.3.
Variant type: single nucleotide variant.
Coding change: c.5160+4A>T on transcript NM_000548.5 (MANE Select); 4 bases into the intron after coding-DNA position 5160, A replaced by T.
Molecular consequence: intron variant.
Genome position (GRCh38, 1-based): chr16:2,088,143, A>T. VCF-style: chr16-2088143-A-T. GRCh37 (hg19) VCF-style: chr16-2138144-A-T.
Other names: c.3618+4A>T (NM_001406693.1, NM_001406692.1, NM_001406694.1); c.5052+4A>T (NM_001406667.1); c.5049+4A>T (NM_001406668.1); c.4560+4A>T (NM_001406680.1); c.4491+4A>T (NM_001406683.1, NM_001406682.1); c.4359+4A>T (NM_001406687.1, NM_001406688.1); c.3747+4A>T (NM_001406689.1); c.3687+4A>T (NM_001406690.1); and 26 more.
Identifiers: ClinVar variation 3704471 (VCV003704471.2).